The following is an entry in ClinVar:

ClinVar aggregate classification (germline): Uncertain significance (1 of 4 stars; one submission).

Allele frequency attached by ClinVar (database versions not stated): gnomAD exomes below 0.00001.
gnomAD v4.1: 1 of 1,613,952 alleles (0.000062%); highest among the groups gnomAD compares: Non-Finnish European, 0.000085%; no homozygotes.

Submission:

Labcorp Genetics (formerly Invitae), Labcorp
Classification: Uncertain significance. Last evaluated: 2024-01-17. Review status: criteria provided, single submitter. Criteria: Invitae Variant Classification Sherloc (09022015). Collection method: clinical testing. Allele origin: germline.
Comment: This sequence change replaces aspartic acid, which is acidic and polar, with glycine, which is neutral and non-polar, at codon 2504 of the CDH23 protein (p.Asp2504Gly). This variant is not present in population databases (gnomAD no frequency). This variant has not been reported in the literature in individuals affected with CDH23-related conditions. ClinVar contains an entry for this variant (Variation ID: 2106344). Advanced modeling of protein sequence and biophysical properties (such as structural, functional, and spatial information, amino acid conservation, physicochemical variation, residue mobility, and thermodynamic stability) has been performed at Invitae for this missense variant, however the output from this modeling did not meet the statistical confidence thresholds required to predict the impact of this variant on CDH23 protein function. In summary, the available evidence is currently insufficient to determine the role of this variant in disease. Therefore, it has been classified as a Variant of Uncertain Significance.

NM_022124.6(CDH23):c.7511A>G (p.Asp2504Gly)

Gene: CDH23 (cadherin related 23; plus strand). Cytogenetic location: 10q22.1.
Variant type: single nucleotide variant.
Coding change: c.7511A>G on transcript NM_022124.6 (MANE Select); coding-DNA position 7511, A replaced by G.
Protein change: p.Asp2504Gly; replaces aspartic acid 2504 with glycine.
Molecular consequence: missense variant.
Genome position (GRCh38, 1-based): chr10:71,802,926, A>G. VCF-style: chr10-71802926-A-G. GRCh37 (hg19) VCF-style: chr10-73562683-A-G.
Other names: c.791A>G, p.Asp264Gly (NM_001171933.1, NM_001171934.1); short protein forms D2504G, D264G.
Identifiers: ClinVar variation 2106344 (VCV002106344.4), dbSNP rs2494416158, ClinGen allele CA377160384.